The following is an entry in ClinVar:

ClinVar aggregate classification (germline): Uncertain significance. Review status: criteria provided, multiple submitters, no conflicts (2 of 4 stars). 2 submissions from 2 submitters: Uncertain significance (2). Last evaluated 2025-05-04.

Conditions:
Fanconi anemia complementation group B (FANCB). Also called: FANCONI PANCYTOPENIA, TYPE 2; FANCB-Related Fanconi Anemia. Identifiers: Orphanet 84, MedGen C1845292, MONDO:0010351, OMIM 300514.
VACTERL association, X-linked, with or without hydrocephalus (VACTERLX). Also called: VACTERL Association with Hydrocephalus, X-linked; VACTERL-H, X-LINKED; X-linked VACTERL-H syndrome; VACTERL ASSOCIATION, X-LINKED. Identifiers: Orphanet 3412, MedGen C2931228, MONDO:0010752, OMIM 314390.
Fanconi anemia (FA). Also called: Fanconi's anemia. Identifiers: Orphanet 84, MedGen C0015625, MeSH D005199, MONDO:0019391.

gnomAD v4.1: 3 of 1,200,476 alleles (0.00025%); no homozygotes.

Submissions (2):

Labcorp Genetics (formerly Invitae), Labcorp
Classification: Uncertain significance for Fanconi anemia. Last evaluated: 2025-05-04. Review status: criteria provided, single submitter. Criteria: Invitae Variant Classification Sherloc (09022015). Collection method: clinical testing. Allele origin: germline.
Comment: This sequence change replaces serine, which is neutral and polar, with cysteine, which is neutral and slightly polar, at codon 496 of the FANCB protein (p.Ser496Cys). This variant is not present in population databases (gnomAD no frequency). This variant has not been reported in the literature in individuals affected with FANCB-related conditions. ClinVar contains an entry for this variant (Variation ID: 1366974). Invitae Evidence Modeling of protein sequence and biophysical properties (such as structural, functional, and spatial information, amino acid conservation, physicochemical variation, residue mobility, and thermodynamic stability) indicates that this missense variant is expected to disrupt FANCB protein function with a positive predictive value of 80%. In summary, the available evidence is currently insufficient to determine the role of this variant in disease. Therefore, it has been classified as a Variant of Uncertain Significance.

Fulgent Genetics
Classification: Uncertain significance for Fanconi anemia complementation group B; VACTERL association, X-linked, with or without hydrocephalus. Last evaluated: 2021-11-13. Review status: criteria provided, single submitter. Criteria: ACMG Guidelines, 2015. Collection method: clinical testing. Allele origin: unknown.

NM_001018113.3(FANCB):c.1487C>G (p.Ser496Cys)

Gene: FANCB (FA complementation group B; minus strand). Cytogenetic location: Xp22.2.
Variant type: single nucleotide variant.
Coding change: c.1487C>G on transcript NM_001018113.3 (MANE Select); coding-DNA position 1487, C replaced by G.
Protein change: p.Ser496Cys; replaces serine 496 with cysteine.
Molecular consequence: missense variant.
Genome position (GRCh38, 1-based): chrX:14,850,514, G>C on the plus strand (C>G on the coding strand, the complement: FANCB is on the minus strand). VCF-style: chrX-14850514-G-C. GRCh37 (hg19) VCF-style: chrX-14868636-G-C.
Other names: c.1487C>G, p.Ser496Cys (NM_001324162.2, NM_152633.4); short protein forms S496C.
Identifiers: ClinVar variation 1366974 (VCV001366974.9), dbSNP rs993307430, ClinGen allele CA327061996.
Genomic context (GRCh38, chrX:14,850,514, plus strand): 5'-AGTACTGTTCTGGAGCATCAAGACAGTGTTATCATGTTGGAATTTACTTACAGCTTCAAA[G>C]AAGATGTAGTTTTCACTCCAACAACCAAGCTATCATCTATTACACGATACCATATCTTCT-3'
Protein context (NP_001018123.1, residues 486-506): SLVVGVKTTS[Ser496Cys]LKLSLNDVTL